The following is an entry in ClinVar:

ClinVar aggregate classification (germline): Uncertain significance (1 of 4 stars; one submission).

Conditions:
Renal tubular acidosis. Identifiers: MedGen C0001126, MONDO:0001909, HP:0001947.
Rickets. Also called: Vitamin-D deficiency rickets; Nutritional rickets; Hypovitaminosis D; Vitamin D deficiency disease. Identifiers: MedGen C0035579, MONDO:0005520, HP:0002748.
Metabolic acidosis. Identifiers: MedGen C0220981, MONDO:0000440, HP:0001942.

Submission:

Diagnostics Services (NGS), CSIR - Centre For Cellular And Molecular Biology
Classification: Uncertain significance for Metabolic acidosis; Rickets; Renal tubular acidosis. Last evaluated: 2019-11-09. Review status: criteria provided, single submitter. Criteria: ACMG Guidelines, 2015. Collection method: clinical testing. Allele origin: unknown. Affected: yes. Observed: 1 homozygote.
Comment: A role of this CA1 gene in renal tubular acidosis was suggested earlier, however no disorder has been associated with this gene till date (Shapira et al. J Clin Invest 1974). Another gene of this family (CA2) is known to cause autosomal recessive osteopetrosis with renal tubular acidosis (MIM#259730). The c.368_369del variant is present in publicly available databases like Exome Aggregation Consortium (ExAC), Genome Aggregation Database (gnomAD) and dbSNP only in heterozygous state (minor allele frequency < 0.00001). The variant is not present in our in-house exome database. The variant was not reported to OMIM, ClinVar and Human Genome Mutation Database (HGMD) in any other affected individuals. In-silico pathogenicity prediction programs like MutationTaster2, CADD etc. predicted this variant as likely deleterious.

NM_001128831.4(CA1):c.368_369del (p.His123fs)

Gene: CA1 (carbonic anhydrase 1; minus strand). Cytogenetic location: 8q21.2.
Variant type: Deletion.
Coding change: c.368_369del on transcript NM_001128831.4 (MANE Select); coding-DNA positions 368 to 369, 2 bases deleted (AC; older notation c.368_369delAC).
Protein change: p.His123fs; shifts the reading frame from histidine 123.
Molecular consequence: frameshift variant.
Genome position (GRCh38, 1-based): chr8:85,333,606-85,333,607, GT deleted on the plus strand (AC on the coding strand, the reverse complement: CA1 is on the minus strand); deleting any 2 consecutive bases within chr8:85,333,606-85,333,608 gives the same sequence; the c. name uses the placement nearest the transcript's 3' end. VCF-style (leftmost placement, unchanged base first): chr8-85333605-AGT-A. GRCh37 (hg19) VCF-style: chr8-86245834-AGT-A.
Other names: c.368_369del, p.His123fs (NM_001128829.4, NM_001128830.4, NM_001164830.2 and 1 more transcripts); c.170_171del, p.His57fs (NM_001291967.2); c.29_30del, p.His10fs (NM_001291968.2); short protein forms H10fs, H123fs, H57fs.
Identifiers: ClinVar variation 694733 (VCV000694733.5), dbSNP rs768769200, ClinGen allele CA4795981.
Genomic context (GRCh38, chr8:85,333,605, plus strand): 5'-CTGCCAAACCATCAGCCTTTGAGGCAGCTTCAGCAAGGCTGGAGTACTTTGCAGAATTCC[AGT>A]GAGCTACGTGAAGCTAAAAATGATACTATGGTTAATTAATTATTTATACCAGTGTGATGA-3'